The following is an entry in ClinVar:

ClinVar aggregate classification (germline): Uncertain significance. Review status: criteria provided, multiple submitters, no conflicts (2 of 4 stars). 2 submissions from 2 submitters: Uncertain significance (2). Last evaluated 2024-01-08.

Allele frequency attached by ClinVar (database versions not stated): ExAC 0.00001; gnomAD 0.00001; 1000 Genomes Project 30x 0.00016; 1000 Genomes Project 0.00020; gnomAD exomes below 0.00001.
gnomAD v4.1: 1 of 1,614,000 alleles (0.000062%); highest among the groups gnomAD compares: Admixed American, 0.0017%; no homozygotes.

Submissions (2):

Labcorp Genetics (formerly Invitae), Labcorp
Classification: Uncertain significance. Last evaluated: 2024-01-08. Review status: criteria provided, single submitter. Criteria: Invitae Variant Classification Sherloc (09022015). Collection method: clinical testing. Allele origin: germline.
Comment: This sequence change replaces tyrosine, which is neutral and polar, with cysteine, which is neutral and slightly polar, at codon 192 of the UGT1A1 protein (p.Tyr192Cys). This variant is present in population databases (rs201093245, gnomAD 0.003%). This variant has not been reported in the literature in individuals affected with UGT1A1-related conditions. ClinVar contains an entry for this variant (Variation ID: 284079). Advanced modeling of protein sequence and biophysical properties (such as structural, functional, and spatial information, amino acid conservation, physicochemical variation, residue mobility, and thermodynamic stability) performed at Invitae indicates that this missense variant is expected to disrupt UGT1A1 protein function with a positive predictive value of 80%. In summary, the available evidence is currently insufficient to determine the role of this variant in disease. Therefore, it has been classified as a Variant of Uncertain Significance.

Eurofins Ntd Llc (ga)
Classification: Uncertain significance. Last evaluated: 2015-10-28. Review status: criteria provided, single submitter. Criteria: EGL Classification Definitions 2015. Collection method: clinical testing. Allele origin: germline. Observed: 1 variant allele, 1 heterozygote.

NM_000463.3(UGT1A1):c.575A>G (p.Tyr192Cys)

Genes: UGT1A9 (UDP glucuronosyltransferase family 1 member A9; plus strand), UGT1A4 (UDP glucuronosyltransferase family 1 member A4; plus strand), UGT1A5 (UDP glucuronosyltransferase family 1 member A5; plus strand), UGT1A10 (UDP glucuronosyltransferase family 1 member A10; plus strand), UGT1A3 (UDP glucuronosyltransferase family 1 member A3; plus strand) and 5 more. Cytogenetic location: 2q37.1.
Variant type: single nucleotide variant.
Coding change: c.575A>G on transcript NM_000463.3 (MANE Select); coding-DNA position 575, A replaced by G.
Protein change: p.Tyr192Cys; replaces tyrosine 192 with cysteine.
Molecular consequence: missense variant. On other transcripts: intron variant (9).
Genome position (GRCh38, 1-based): chr2:233,760,862, A>G. VCF-style: chr2-233760862-A-G. GRCh37 (hg19) VCF-style: chr2-234669508-A-G.
Other names: c.856-6172A>G (NM_019076.5, NM_019075.4, NM_021027.3 and 1 more transcripts); c.61-6172A>G (NM_205862.3); c.862-6172A>G (NM_001072.4); c.868-6172A>G (NM_019078.2, NM_007120.3, NM_019093.4); short protein forms Y192C.
Identifiers: ClinVar variation 284079 (VCV000284079.9), dbSNP rs201093245, ClinGen allele CA2179845.